The following is an entry in ClinVar:

ClinVar aggregate classification (germline): Pathogenic (1 of 4 stars; one submission).

Conditions:
Ataxia-telangiectasia syndrome (AT). Also called: Cerebello-oculocutaneous telangiectasia; Immunodeficiency with ataxia telangiectasia; Ataxia-telangiectasia, complementation group E; Ataxia-telangiectasia, complementation group D; AT, COMPLEMENTATION GROUP C; ATAXIA-TELANGIECTASIA, COMPLEMENTATION GROUP A. Identifiers: Orphanet 100, MedGen C0004135, MONDO:0008840, OMIM 208900.

Submission:

Labcorp Genetics (formerly Invitae), Labcorp
Classification: Pathogenic for Ataxia-telangiectasia syndrome. Last evaluated: 2025-09-03. Review status: criteria provided, single submitter. Criteria: Invitae Variant Classification Sherloc (09022015). Collection method: clinical testing. Allele origin: germline.
Comment: This variant, c.8294_8296del, results in the deletion of 1 amino acid(s) of the ATM protein (p.Gly2765del), but otherwise preserves the integrity of the reading frame. This variant is not present in population databases (gnomAD no frequency). This variant has not been reported in the literature in individuals affected with ATM-related conditions. This variant disrupts a region of the ATM protein in which other variant(s) (p.Gly2765Ser) have been determined to be pathogenic (PMID: 10534763, 19781682, 21792198). This suggests that this is a clinically significant region of the protein, and that variants that disrupt it are likely to be disease-causing. For these reasons, this variant has been classified as Pathogenic.

Literature cited by the submitters: PubMed 10534763; PubMed 19781682; PubMed 21792198.

NM_000051.4(ATM):c.8291GTG[1] (p.Gly2765del)

Genes: ATM (ATM serine/threonine kinase; plus strand), C11orf65 (chromosome 11 open reading frame 65; minus strand). Cytogenetic location: 11q22.3.
Variant type: Microsatellite.
Coding change: c.8291GTG[1] on transcript NM_000051.4 (MANE Select); one copy of the 3-base unit GTG starting at c.8291; the reference has two copies in a row; one copy, 3 bases deleted.
Protein change: p.Gly2765del; deletes glycine 2765.
Molecular consequence: inframe deletion. On other transcripts: intron variant (2), inframe indel (1).
Genome position (GRCh38, 1-based): chr11:108,343,247-108,343,249, GTG deleted; deleting any 3 consecutive bases within chr11:108,343,244-108,343,249 gives the same sequence; the position shown is the placement nearest the transcript's 3' end. VCF-style (leftmost placement, unchanged base first): chr11-108343243-AGTG-A. GRCh37 (hg19) VCF-style: chr11-108213970-AGTG-A.
Other names: c.8291GTG[1], p.Gly2765del (NM_001351834.2); c.641-34175_641-34173del (NM_001330368.2); c.695-7954_695-7952del (NM_001351110.2); c.8294_8296delGTG (NM_000051.3); short protein forms G2765del.
Identifiers: ClinVar variation 580719 (VCV000580719.10), dbSNP rs1565557806, ClinGen allele CA891842782.